The following is an entry in ClinVar:

NM_001458.5(FLNC):c.2636G>A (p.Arg879His)

Gene: FLNC (filamin C; plus strand). Cytogenetic location: 7q32.1.
Variant type: single nucleotide variant.
Coding change: c.2636G>A on transcript NM_001458.5 (MANE Select); coding-DNA position 2636, G replaced by A.
Protein change: p.Arg879His; replaces arginine 879 with histidine.
Molecular consequence: missense variant.
Genome position (GRCh38, 1-based): chr7:128,843,314, G>A. VCF-style: chr7-128843314-G-A. GRCh37 (hg19) VCF-style: chr7-128483368-G-A.
Other names: c.2636G>A, p.Arg879His (NM_001127487.2); short protein forms R879H.
Identifiers: ClinVar variation 539400 (VCV000539400.16), dbSNP rs367997079, ClinGen allele CA4474795.

ClinVar aggregate classification (germline): Conflicting classifications of pathogenicity. Review status: criteria provided, conflicting classifications (1 of 4 stars). 4 submissions from 4 submitters: Uncertain significance (3); Likely benign (1). Last evaluated 2026-07-07.

Conditions:
Hypertrophic cardiomyopathy 26. Also called: Cardiomyopathy, familial hypertrophic, 26. Identifiers: Orphanet 75249, MedGen C4310749, MONDO:0014883, OMIM 617047.
Myofibrillar myopathy 5. Also called: Filaminopathy (type); FILAMINOPATHY, AUTOSOMAL DOMINANT. Identifiers: Orphanet 171445, MedGen C1836050, MONDO:0012289, OMIM 609524.
Distal myopathy with posterior leg and anterior hand involvement. Also called: WILLIAMS DISTAL MYOPATHY. Identifiers: Orphanet 63273, MedGen C3279722, MONDO:0013550, OMIM 614065.
Cardiovascular phenotype. Identifiers: MedGen CN230736.

Allele frequency attached by ClinVar (database versions not stated): gnomAD exomes 0.00002 and 0.00004; ExAC 0.00005; ESP Exome Variant Server 0.00008; gnomAD 0.00001; TOPMed 0.00001.
gnomAD v4.1: 24 of 1,612,782 alleles (0.0015%); highest among the groups gnomAD compares: South Asian, 0.011%; no homozygotes.

Submissions (4):

Ambry Genetics
Classification: Uncertain significance for Cardiovascular phenotype. Last evaluated: 2026-07-07. Review status: criteria provided, single submitter. Criteria: Ambry Variant Classification Scheme 2023. Collection method: clinical testing. Allele origin: germline.
Comment: The p.R879H variant (also known as c.2636G>A), located in coding exon 17 of the FLNC gene, results from a G to A substitution at nucleotide position 2636. The arginine at codon 879 is replaced by histidine, an amino acid with highly similar properties. This amino acid position is conserved. In addition, the in silico prediction for this alteration is inconclusive. Based on the available evidence, the clinical significance of this variant remains unclear.

Labcorp Genetics (formerly Invitae), Labcorp
Classification: Likely benign for Distal myopathy with posterior leg and anterior hand involvement; Myofibrillar myopathy 5; Hypertrophic cardiomyopathy 26. Last evaluated: 2024-08-04. Review status: criteria provided, single submitter. Criteria: Invitae Variant Classification Sherloc (09022015). Collection method: clinical testing. Allele origin: germline.

Revvity Omics, Revvity
Classification: Uncertain significance. Last evaluated: 2020-07-14. Review status: criteria provided, single submitter. Criteria: ACMG Guidelines, 2015. Collection method: clinical testing. Allele origin: germline.

GeneDx
Classification: Uncertain significance. Last evaluated: 2020-01-09. Review status: criteria provided, single submitter. Criteria: GeneDx Variant Classification Process June 2021. Collection method: clinical testing. Allele origin: germline. Affected: yes.
Comment: Has not been previously published as pathogenic or benign to our knowledge; Reported as a variant of uncertain significance by another clinical laboratory in ClinVar (ClinVar Variant ID# 539400; Landrum et al., 2016); In silico analysis, which includes protein predictors and evolutionary conservation, supports a deleterious effect